The following is an entry in ClinVar:

NM_022124.6(CDH23):c.7928G>A (p.Gly2643Asp)

Genes: CDH23 (cadherin related 23; plus strand), LOC111982869 (Sharpr-MPRA regulatory region 2121; plus strand). Cytogenetic location: 10q22.1.
Variant type: single nucleotide variant.
Coding change: c.7928G>A on transcript NM_022124.6 (MANE Select); coding-DNA position 7928, G replaced by A.
Protein change: p.Gly2643Asp; replaces glycine 2643 with aspartic acid.
Molecular consequence: missense variant.
Genome position (GRCh38, 1-based): chr10:71,805,861, G>A. VCF-style: chr10-71805861-G-A. GRCh37 (hg19) VCF-style: chr10-73565618-G-A.
Other names: c.1208G>A, p.Gly403Asp (NM_001171933.1, NM_001171934.1); c.7928G>A (NM_022124.5); short protein forms G2643D, G403D.
Identifiers: ClinVar variation 1353563 (VCV001353563.7), dbSNP rs1841698200, ClinGen allele CA377161979.

ClinVar aggregate classification (germline): Uncertain significance. Review status: criteria provided, multiple submitters, no conflicts (2 of 4 stars). 2 submissions from 2 submitters: Uncertain significance (2). Last evaluated 2024-10-15.

Submissions (2):

GeneDx
Classification: Uncertain significance. Last evaluated: 2024-10-15. Review status: criteria provided, single submitter. Criteria: GeneDx Variant Classification Process June 2021. Collection method: clinical testing. Allele origin: germline. Affected: yes.
Comment: Not observed at significant frequency in large population cohorts (gnomAD); In silico analysis supports that this missense variant has a deleterious effect on protein structure/function; Has not been previously published as pathogenic or benign to our knowledge

Labcorp Genetics (formerly Invitae), Labcorp
Classification: Uncertain significance. Last evaluated: 2021-11-17. Review status: criteria provided, single submitter. Criteria: Invitae Variant Classification Sherloc (09022015). Collection method: clinical testing. Allele origin: germline.
Comment: In summary, the available evidence is currently insufficient to determine the role of this variant in disease. Therefore, it has been classified as a Variant of Uncertain Significance. Algorithms developed to predict the effect of missense changes on protein structure and function are either unavailable or do not agree on the potential impact of this missense change (SIFT: "Deleterious"; PolyPhen-2: "Not Available"; Align-GVGD: "Class C0"). This variant has not been reported in the literature in individuals affected with CDH23-related conditions. This variant is not present in population databases (gnomAD no frequency). This sequence change replaces glycine, which is neutral and non-polar, with aspartic acid, which is acidic and polar, at codon 2643 of the CDH23 protein (p.Gly2643Asp).